The following is an entry in ClinVar:

ClinVar aggregate classification (germline): Benign/Likely benign. Review status: criteria provided, multiple submitters, no conflicts (2 of 4 stars). 3 submissions from 3 submitters: Benign (1); Likely benign (2). Last evaluated 2026-04-16.

Conditions:
DICER1-related tumor predisposition. Also called: DICER1 syndrome; DICER1-related pleuropulmonary blastoma cancer predisposition syndrome. Identifiers: Orphanet 284343, MedGen C3839822, MONDO:0100216.
Hereditary cancer-predisposing syndrome. Also called: Neoplastic Syndromes, Hereditary; Tumor predisposition; Hereditary Cancer Syndrome; Hereditary neoplastic syndrome. Identifiers: Orphanet 140162, MedGen C0027672, MeSH D009386, MONDO:0015356.

Allele frequency attached by ClinVar (database versions not stated): TOPMed below 0.00001.

Submissions (3):

Myriad Genetics, Inc.
Classification: Benign for DICER1-related tumor predisposition. Last evaluated: 2026-04-16. Review status: criteria provided, single submitter. Criteria: Myriad Autosomal Dominant, Autosomal Recessive and X-Linked Classification Criteria (2023). Collection method: clinical testing. Allele origin: unknown.
Comment: This variant is considered benign. This variant is a silent/synonymous amino acid change and it is not expected to impact splicing.

Labcorp Genetics (formerly Invitae), Labcorp
Classification: Likely benign for DICER1-related tumor predisposition. Last evaluated: 2025-01-21. Review status: criteria provided, single submitter. Criteria: Invitae Variant Classification Sherloc (09022015). Collection method: clinical testing. Allele origin: germline.

Ambry Genetics
Classification: Likely benign for Hereditary cancer-predisposing syndrome. Last evaluated: 2023-03-03. Review status: criteria provided, single submitter. Criteria: Ambry Variant Classification Scheme 2023. Collection method: clinical testing. Allele origin: germline.

NM_177438.3(DICER1):c.2457C>T (p.Tyr819=)

Gene: DICER1 (dicer 1, ribonuclease III; minus strand). Cytogenetic location: 14q32.13.
Variant type: single nucleotide variant.
Coding change: c.2457C>T on transcript NM_177438.3 (MANE Select); coding-DNA position 2457, C replaced by T.
Protein change: p.Tyr819=; no amino-acid change (tyrosine 819 retained).
Molecular consequence: synonymous variant.
Genome position (GRCh38, 1-based): chr14:95,108,073, G>A on the plus strand (C>T on the coding strand, the complement: DICER1 is on the minus strand). VCF-style: chr14-95108073-G-A. GRCh37 (hg19) VCF-style: chr14-95574410-G-A.
Other names: c.2457C>T (NM_177438.2); c.2457C>T, p.Tyr819= (NM_001195573.1, NM_001271282.3, NM_001291628.2 and 1 more transcripts).
Identifiers: ClinVar variation 1082022 (VCV001082022.12), dbSNP rs1595380836, ClinGen allele CA487844929.